The following is an entry in ClinVar:

NM_000548.5(TSC2):c.2885C>A (p.Pro962His)

Gene: TSC2 (TSC complex subunit 2; plus strand). Cytogenetic location: 16p13.3.
Variant type: single nucleotide variant.
Coding change: c.2885C>A on transcript NM_000548.5 (MANE Select); coding-DNA position 2885, C replaced by A.
Protein change: p.Pro962His; replaces proline 962 with histidine.
Molecular consequence: missense variant. On other transcripts: intron variant (31).
Genome position (GRCh38, 1-based): chr16:2,077,645, C>A. VCF-style: chr16-2077645-C-A. GRCh37 (hg19) VCF-style: chr16-2127646-C-A.
Other names: c.2885C>A, p.Pro962His (NM_001114382.3, NM_001406663.1, NM_001406664.1); c.2774C>A, p.Pro925His (NM_001406670.1); c.2738C>A, p.Pro913His (NM_001406675.1, NM_001406676.1); c.2285C>A, p.Pro762His (NM_001406680.1, NM_001406682.1, NM_001406683.1 and 1 more transcripts); c.1541C>A, p.Pro514His (NM_001406689.1); c.1493+1060C>A (NM_001406693.1, NM_001406690.1, NM_001406692.1 and 5 more transcripts); c.2927+1060C>A (NM_001406667.1, NM_001406668.1); c.2237+1060C>A (NM_001406687.1, NM_001406685.1, NM_001318831.2 and 2 more transcripts); and 8 more; short protein forms P514H, P762H, P913H, P925H, P962H.
Identifiers: ClinVar variation 3232128 (VCV003232128.2), dbSNP rs367640434, ClinGen allele CA394281035.

ClinVar aggregate classification (germline): Uncertain significance. Review status: criteria provided, multiple submitters, no conflicts (2 of 4 stars). 2 submissions from 2 submitters: Uncertain significance (2). Last evaluated 2025-03-13.

Conditions:
Hereditary cancer-predisposing syndrome. Also called: Neoplastic Syndromes, Hereditary; Tumor predisposition; Hereditary neoplastic syndrome; Hereditary Cancer Syndrome. Identifiers: Orphanet 140162, MedGen C0027672, MeSH D009386, MONDO:0015356.

Submissions (2):

GeneDx
Classification: Uncertain significance. Last evaluated: 2025-03-13. Review status: criteria provided, single submitter. Criteria: GeneDx Variant Classification Process June 2021. Collection method: clinical testing. Allele origin: germline. Affected: yes.
Comment: Not observed at significant frequency in large population cohorts (gnomAD); In silico analysis indicates that this missense variant does not alter protein structure/function; Has not been previously published as pathogenic or benign to our knowledge

Ambry Genetics
Classification: Uncertain significance for Hereditary cancer-predisposing syndrome. Last evaluated: 2023-12-05. Review status: criteria provided, single submitter. Criteria: Ambry Variant Classification Scheme 2023. Collection method: clinical testing. Allele origin: germline.
Comment: The p.P962H variant (also known as c.2885C>A), located in coding exon 25 of the TSC2 gene, results from a C to A substitution at nucleotide position 2885. The proline at codon 962 is replaced by histidine, an amino acid with similar properties. This amino acid position is conserved. In addition, the in silico prediction for this alteration is inconclusive. Since supporting evidence is limited at this time, the clinical significance of this alteration remains unclear.